The following is an entry in ClinVar:

ClinVar aggregate classification (germline): Uncertain significance (1 of 4 stars; one submission).

Allele frequency attached by ClinVar (database versions not stated): TOPMed below 0.00001.
gnomAD v4.1: 2 of 1,612,284 alleles (0.00012%); highest among the groups gnomAD compares: Non-Finnish European, 0.00017%; no homozygotes.

Submission:

Labcorp Genetics (formerly Invitae), Labcorp
Classification: Uncertain significance. Last evaluated: 2023-11-08. Review status: criteria provided, single submitter. Criteria: Invitae Variant Classification Sherloc (09022015). Collection method: clinical testing. Allele origin: germline.
Comment: This sequence change replaces arginine, which is basic and polar, with serine, which is neutral and polar, at codon 103 of the PITPNM3 protein (p.Arg103Ser). This variant is not present in population databases (gnomAD no frequency). This variant has not been reported in the literature in individuals affected with PITPNM3-related conditions. An algorithm developed to predict the effect of missense changes on protein structure and function (PolyPhen-2) suggests that this variant is likely to be tolerated. In summary, the available evidence is currently insufficient to determine the role of this variant in disease. Therefore, it has been classified as a Variant of Uncertain Significance.

NM_031220.4(PITPNM3):c.309G>T (p.Arg103Ser)

Gene: PITPNM3 (PITPNM family member 3; minus strand). Cytogenetic location: 17p13.2.
Variant type: single nucleotide variant.
Coding change: c.309G>T on transcript NM_031220.4 (MANE Select); coding-DNA position 309, G replaced by T.
Protein change: p.Arg103Ser; replaces arginine 103 with serine.
Molecular consequence: missense variant.
Genome position (GRCh38, 1-based): chr17:6,484,258, C>A on the plus strand (G>T on the coding strand, the complement: PITPNM3 is on the minus strand). VCF-style: chr17-6484258-C-A. GRCh37 (hg19) VCF-style: chr17-6387578-C-A.
Other names: c.201G>T, p.Arg67Ser (NM_001165966.2); short protein forms R103S, R67S.
Identifiers: ClinVar variation 2788641 (VCV002788641.3), dbSNP rs1408748562, ClinGen allele CA397411563.